The following is an entry in ClinVar:

NM_006766.5(KAT6A):c.523A>G (p.Asn175Asp)

Gene: KAT6A (lysine acetyltransferase 6A; minus strand). Cytogenetic location: 8p11.21.
Variant type: single nucleotide variant.
Coding change: c.523A>G on transcript NM_006766.5 (MANE Select); coding-DNA position 523, A replaced by G.
Protein change: p.Asn175Asp; replaces asparagine 175 with aspartic acid.
Molecular consequence: missense variant.
Genome position (GRCh38, 1-based): chr8:42,048,455, T>C on the plus strand (A>G on the coding strand, the complement: KAT6A is on the minus strand). VCF-style: chr8-42048455-T-C. GRCh37 (hg19) VCF-style: chr8-41905973-T-C.
Other names: c.523A>G, p.Asn175Asp (NM_001305878.2); short protein forms N175D.
Identifiers: ClinVar variation 1254350 (VCV001254350.7), dbSNP rs1237996435, ClinGen allele CA371174500.

ClinVar aggregate classification (germline): Uncertain significance. Review status: criteria provided, multiple submitters, no conflicts (2 of 4 stars). 2 submissions from 2 submitters: Uncertain significance (2). Last evaluated 2026-01-22.

Allele frequency attached by ClinVar (database versions not stated): gnomAD 0.00001; gnomAD exomes 0.00001; TOPMed 0.00001.
gnomAD v4.1: 10 of 1,614,010 alleles (0.00062%); highest among the groups gnomAD compares: African/African-American, 0.0013%; no homozygotes.

Submissions (2):

Labcorp Genetics (formerly Invitae), Labcorp
Classification: Uncertain significance. Last evaluated: 2026-01-22. Review status: criteria provided, single submitter. Criteria: Invitae Variant Classification Sherloc (09022015). Collection method: clinical testing. Allele origin: germline.
Comment: This sequence change replaces asparagine, which is neutral and polar, with aspartic acid, which is acidic and polar, at codon 175 of the KAT6A protein (p.Asn175Asp). This variant is present in population databases (no rsID available, gnomAD 0.007%). This variant has not been reported in the literature in individuals affected with KAT6A-related conditions. ClinVar contains an entry for this variant (Variation ID: 1254350). Invitae Evidence Modeling of protein sequence and biophysical properties (such as structural, functional, and spatial information, amino acid conservation, physicochemical variation, residue mobility, and thermodynamic stability) indicates that this missense variant is not expected to disrupt KAT6A protein function with a negative predictive value of 95%. In summary, the available evidence is currently insufficient to determine the role of this variant in disease. Therefore, it has been classified as a Variant of Uncertain Significance.

GeneDx
Classification: Uncertain significance. Last evaluated: 2021-05-17. Review status: criteria provided, single submitter. Criteria: GeneDx Variant Classification Process June 2021. Collection method: clinical testing. Allele origin: germline. Affected: yes.
Comment: Not observed at significant frequency in large population cohorts (Lek et al., 2016); In silico analysis supports that this missense variant does not alter protein structure/function; Has not been previously published as pathogenic or benign to our knowledge